The following is an entry in ClinVar:

ClinVar aggregate classification (germline): Benign/Likely benign. Review status: criteria provided, multiple submitters, no conflicts (2 of 4 stars). 8 submissions from 8 submitters: Benign (1); Likely benign (6). 1 of the submissions does not count toward it. Last evaluated 2026-05-01.

Conditions:
Mucopolysaccharidosis type 1. Also called: Mucopolysaccharidosis Type I; IDUA deficiency; MPS I. Identifiers: Orphanet 579, MedGen C0023786, MONDO:0001586.
Inborn genetic diseases. Identifiers: MedGen C0950123, MeSH D030342.

Allele frequency attached by ClinVar (database versions not stated): ESP Exome Variant Server 0.00077; gnomAD 0.00078 and 0.00084; TOPMed 0.00091; gnomAD exomes 0.00094 and 0.00107; 1000 Genomes Project 30x 0.00109; ExAC 0.00123; 1000 Genomes Project 0.00140.
gnomAD v4.1: 1,690 of 1,611,412 alleles (0.1%); highest among the groups gnomAD compares: Middle Eastern, 0.18%; 2 homozygotes.

Submissions (8):

CeGaT Center for Human Genetics Tuebingen
Classification: Likely benign. Last evaluated: 2026-05-01. Review status: criteria provided, single submitter. Criteria: CeGaT Center For Human Genetics Tuebingen Variant Classification Criteria Version 2. Collection method: clinical testing. Allele origin: germline. Affected: yes. Observed: 1 variant allele.
Comment: IDUA: BP4, BP7

Labcorp Genetics (formerly Invitae), Labcorp
Classification: Benign for Mucopolysaccharidosis type 1. Last evaluated: 2026-02-01. Review status: criteria provided, single submitter. Criteria: Invitae Variant Classification Sherloc (09022015). Collection method: clinical testing. Allele origin: germline.

Laboratory of Genetics, Children's Clinical University Hospital Latvia
Classification: Likely benign. Last evaluated: 2025-02-16. Review status: criteria provided, single submitter. Criteria: ACMG Guidelines, 2015. Collection method: clinical testing. Allele origin: germline. Affected: yes.

Blueprint Genetics
Classification: Likely benign. Last evaluated: 2024-11-08. Review status: criteria provided, single submitter. Criteria: ACMG Guidelines, 2015. Collection method: clinical testing. Allele origin: germline.

Ambry Genetics
Classification: Likely benign for Inborn genetic diseases. Last evaluated: 2022-04-04. Review status: criteria provided, single submitter. Criteria: Ambry Variant Classification Scheme 2023. Collection method: clinical testing. Allele origin: germline.

Women's Health and Genetics/Laboratory Corporation of America, LabCorp
Classification: Likely benign. Last evaluated: 2020-01-31. Review status: criteria provided, single submitter. Criteria: LabCorp Variant Classification Summary - May 2015. Collection method: clinical testing. Allele origin: germline.

Eurofins Ntd Llc (ga)
Classification: Likely benign. Last evaluated: 2016-08-17. Review status: criteria provided, single submitter. Criteria: EGL Classification Definitions 2015. Collection method: clinical testing. Allele origin: germline. Observed: 2 variant alleles, 2 heterozygotes.

Natera, Inc.
Classification: Likely benign for Mucopolysaccharidosis type I. Last evaluated: 2017-05-06. Review status: no assertion criteria provided. Collection method: clinical testing. Allele origin: germline. Not counted in ClinVar's aggregate classification.

NM_000203.5(IDUA):c.234C>T (p.Gly78=)

Genes: IDUA (alpha-L-iduronidase; plus strand), SLC26A1 (solute carrier family 26 member 1; minus strand). Cytogenetic location: 4p16.3.
Variant type: single nucleotide variant.
Coding change: c.234C>T on transcript NM_000203.5 (MANE Select); coding-DNA position 234, C replaced by T.
Protein change: p.Gly78=; no amino-acid change (glycine 78 retained).
Molecular consequence: synonymous variant. On other transcripts: 3 prime UTR variant (2), non-coding transcript variant (1), intron variant (1).
Genome position (GRCh38, 1-based): chr4:987,884, C>T. VCF-style: chr4-987884-C-T. GRCh37 (hg19) VCF-style: chr4-981672-C-T.
Other names: c.*949G>A (NM_022042.4, NM_213613.4); c.576+3244G>A (NM_134425.4).
Identifiers: ClinVar variation 281071 (VCV000281071.30), dbSNP rs138932617, ClinGen allele CA2801142.
Genomic context (GRCh38, chr4:987,884, plus strand): 5'-CAGCCAGGCTGACCAGTACGTCCTCAGCTGGGACCAGCAGCTCAACCTCGCCTATGTGGG[C>T]GCCGTCCCTCACCGCGGCATCAAGCAGGTCCGGACCCACTGGCTGCTGGAGCTTGTCACC-3'
Protein context (NP_000194.2, residues 68-88): WDQQLNLAYV[Gly78=]AVPHRGIKQV